The following is an entry in ClinVar:

NM_001379110.1(SLC9A6):c.-56-25C>G

Gene: SLC9A6 (solute carrier family 9 member A6; plus strand). Cytogenetic location: Xq26.3.
Variant type: single nucleotide variant.
Coding change: c.-56-25C>G on transcript NM_001379110.1 (MANE Select); 25 bases into the intron before 56 bases upstream of the start codon, C replaced by G.
Molecular consequence: intron variant. On other transcripts: missense variant (2).
Genome position (GRCh38, 1-based): chrX:135,985,578, C>G. VCF-style: chrX-135985578-C-G. GRCh37 (hg19) VCF-style: chrX-135067737-C-G.
Other names: p.R26G:CGG>GGG; c.76C>G, p.Arg26Gly (NM_001042537.2, NM_006359.3); c.-56-25C>G (NM_001177651.2, NM_001330652.2); short protein forms R26G.
Identifiers: ClinVar variation 207236 (VCV000207236.7), dbSNP rs782396686, ClinGen allele CA318510.

ClinVar aggregate classification (germline): Likely benign. Review status: reviewed by expert panel (3 of 4 stars). 3 submissions from 3 submitters: Likely benign (1). 2 of the submissions do not count toward it. Last evaluated 2024-02-23.

Conditions:
Christianson syndrome (MRXSCH). Also called: SLC9A6-Related Syndromic Mental Retardation; INTELLECTUAL DEVELOPMENTAL DISORDER, X-LINKED, SYNDROMIC, CHRISTIANSON TYPE; X-linked mental retardation, syndromic, Christianson type. Identifiers: Orphanet 85278, MedGen C2678194, MONDO:0010278, OMIM 300243.

Allele frequency attached by ClinVar (database versions not stated): TOPMed 0.00001; gnomAD exomes 0.00002; ExAC 0.00003.

Submissions (3):

ClinGen Rett and Angelman-like Disorders Variant Curation Expert Panel
Classification: Likely benign for Christianson syndrome. Last evaluated: 2024-02-23. Review status: reviewed by expert panel. Criteria: ClinGen RettAS ACMG Specifications SLC9A6 V3.0.0. Collection method: curation. Allele origin: germline. Inheritance: X-linked inheritance.
Comment: The p.Arg26Gly variant in SLC9A6 (NM_006359.2) is present in 2 XX and 1 XY individual(s) in gnomAD v2 (0.004%) (not sufficient to meet BS1 criteria). The p.Arg26Gly variant is observed in the hemizygous state in at least 2 unaffected individuals (internal database - GeneDx) (BS2). Computational analysis prediction tools suggest that the p.Arg26Gly variant does not have a deleterious impact; however this information does not predict clinical significance on its own (BP4). In summary, the p.Arg26Gly variant in SLC9A6 is classified as likely benign based on the ACMG/AMP criteria (BS2, BP5, BP4).

Labcorp Genetics (formerly Invitae), Labcorp
Classification: Uncertain significance for Christianson syndrome. Last evaluated: 2023-11-10. Review status: criteria provided, single submitter. Criteria: Invitae Variant Classification Sherloc (09022015). Collection method: clinical testing. Allele origin: germline. Not counted in ClinVar's aggregate classification.
Comment: This sequence change replaces arginine, which is basic and polar, with glycine, which is neutral and non-polar, at codon 26 of the SLC9A6 protein (p.Arg26Gly). This variant is present in population databases (rs782396686, gnomAD 0.004%), including at least one homozygous and/or hemizygous individual. This variant has not been reported in the literature in individuals affected with SLC9A6-related conditions. ClinVar contains an entry for this variant (Variation ID: 207236). An algorithm developed to predict the effect of missense changes on protein structure and function (PolyPhen-2) suggests that this variant is likely to be tolerated. In summary, the available evidence is currently insufficient to determine the role of this variant in disease. Therefore, it has been classified as a Variant of Uncertain Significance.

GeneDx
Classification: Likely benign. Last evaluated: 2014-03-10. Review status: criteria provided, single submitter. Criteria: GeneDx Variant Classification (06012015). Collection method: clinical testing. Allele origin: germline. Affected: yes. Not counted in ClinVar's aggregate classification.
Comment: This variant is considered likely benign or benign based on one or more of the following criteria: it is a conservative change, it occurs at a poorly conserved position in the protein, it is predicted to be benign by multiple in silico algorithms, and/or has population frequency not consistent with disease.